The following is an entry in ClinVar:

NM_004655.4(AXIN2):c.160A>C (p.Asn54His)

Gene: AXIN2 (axin 2; minus strand). Cytogenetic location: 17q24.1.
Variant type: single nucleotide variant.
Coding change: c.160A>C on transcript NM_004655.4 (MANE Select); coding-DNA position 160, A replaced by C.
Protein change: p.Asn54His; replaces asparagine 54 with histidine.
Molecular consequence: missense variant.
Genome position (GRCh38, 1-based): chr17:65,558,461, T>G on the plus strand (A>C on the coding strand, the complement: AXIN2 is on the minus strand). VCF-style: chr17-65558461-T-G. GRCh37 (hg19) VCF-style: chr17-63554579-T-G.
Other names: c.160A>C, p.Asn54His (NM_001363813.1); short protein forms N54H.
Identifiers: ClinVar variation 5032540 (VCV005032540.1).

ClinVar aggregate classification (germline): Uncertain significance (1 of 4 stars; one submission).

Conditions:
Hereditary cancer-predisposing syndrome. Also called: Neoplastic Syndromes, Hereditary; Tumor predisposition; Hereditary neoplastic syndrome; Hereditary Cancer Syndrome. Identifiers: Orphanet 140162, MedGen C0027672, MeSH D009386, MONDO:0015356.

Submission:

Ambry Genetics
Classification: Uncertain significance for Hereditary cancer-predisposing syndrome. Last evaluated: 2026-07-06. Review status: criteria provided, single submitter. Criteria: Ambry Variant Classification Scheme 2023. Collection method: clinical testing. Allele origin: germline.
Comment: The p.N54H variant (also known as c.160A>C), located in coding exon 1 of the AXIN2 gene, results from an A to C substitution at nucleotide position 160. The asparagine at codon 54 is replaced by histidine, an amino acid with similar properties. This amino acid position is conserved. In addition, this alteration is predicted to be tolerated by in silico analysis. Based on the available evidence, the clinical significance of this variant remains unclear.